The following is an entry in ClinVar:

ClinVar aggregate classification (germline): Likely benign (1 of 4 stars; one submission).

Allele frequency attached by ClinVar (database versions not stated): gnomAD 0.00020; ExAC 0.00023; 1000 Genomes Project 0.00040; 1000 Genomes Project 30x 0.00047; gnomAD exomes 0.00050.
gnomAD v4.1: 746 of 1,612,460 alleles (0.046%); highest among the groups gnomAD compares: Non-Finnish European, 0.055%; no homozygotes.

Submission:

CeGaT Center for Human Genetics Tuebingen
Classification: Likely benign. Last evaluated: 2022-10-01. Review status: criteria provided, single submitter. Criteria: CeGaT Center For Human Genetics Tuebingen Variant Classification Criteria Version 2. Collection method: clinical testing. Allele origin: germline. Affected: yes. Observed: 1 variant allele.
Comment: MUC5B: BP4, BP7

NM_002458.3(MUC5B):c.13374C>T (p.Thr4458=)

Gene: MUC5B (mucin 5B, oligomeric mucus/gel-forming; plus strand). Cytogenetic location: 11p15.5.
Variant type: single nucleotide variant.
Coding change: c.13374C>T on transcript NM_002458.3 (MANE Select); coding-DNA position 13374, C replaced by T.
Protein change: p.Thr4458=; no amino-acid change (threonine 4458 retained).
Molecular consequence: synonymous variant.
Genome position (GRCh38, 1-based): chr11:1,250,254, C>T. VCF-style: chr11-1250254-C-T. GRCh37 (hg19) VCF-style: chr11-1271484-C-T.
Identifiers: ClinVar variation 2641296 (VCV002641296.24), dbSNP rs542410041, ClinGen allele CA5808303.